The following is an entry in ClinVar:

NM_001458.5(FLNC):c.5807A>C (p.His1936Pro)

Genes: FLNC (filamin C; plus strand), FLNC-AS1 (FLNC antisense RNA 1; minus strand). Cytogenetic location: 7q32.1.
Variant type: single nucleotide variant.
Coding change: c.5807A>C on transcript NM_001458.5 (MANE Select); coding-DNA position 5807, A replaced by C.
Protein change: p.His1936Pro; replaces histidine 1936 with proline.
Molecular consequence: missense variant.
Genome position (GRCh38, 1-based): chr7:128,851,593, A>C. VCF-style: chr7-128851593-A-C. GRCh37 (hg19) VCF-style: chr7-128491647-A-C.
Other names: c.5708A>C, p.His1903Pro (NM_001127487.2); short protein forms H1903P, H1936P.
Identifiers: ClinVar variation 839299 (VCV000839299.9), dbSNP rs1454768847, ClinGen allele CA369208531.

ClinVar aggregate classification (germline): Uncertain significance (1 of 4 stars; one submission).

Conditions:
Myofibrillar myopathy 5. Also called: Filaminopathy (type); FILAMINOPATHY, AUTOSOMAL DOMINANT. Identifiers: Orphanet 171445, MedGen C1836050, MONDO:0012289, OMIM 609524.
Dilated Cardiomyopathy, Dominant.
Hypertrophic cardiomyopathy 26. Also called: Cardiomyopathy, familial hypertrophic, 26. Identifiers: Orphanet 75249, MedGen C4310749, MONDO:0014883, OMIM 617047.
Distal myopathy with posterior leg and anterior hand involvement. Also called: WILLIAMS DISTAL MYOPATHY. Identifiers: Orphanet 63273, MedGen C3279722, MONDO:0013550, OMIM 614065.

Allele frequency attached by ClinVar (database versions not stated): gnomAD exomes below 0.00001.
gnomAD v4.1: 1 of 1,613,942 alleles (0.000062%); highest among the groups gnomAD compares: East Asian, 0.0022%; no homozygotes.

Submission:

Labcorp Genetics (formerly Invitae), Labcorp
Classification: Uncertain significance for Distal myopathy with posterior leg and anterior hand involvement; Myofibrillar myopathy 5; Hypertrophic cardiomyopathy 26. Last evaluated: 2022-03-09. Review status: criteria provided, single submitter. Criteria: Invitae Variant Classification Sherloc (09022015). Collection method: clinical testing. Allele origin: germline.
Comment: ClinVar contains an entry for this variant (Variation ID: 839299). In summary, the available evidence is currently insufficient to determine the role of this variant in disease. Therefore, it has been classified as a Variant of Uncertain Significance. Algorithms developed to predict the effect of missense changes on protein structure and function are either unavailable or do not agree on the potential impact of this missense change (SIFT: "Tolerated"; PolyPhen-2: "Probably Damaging"; Align-GVGD: "Class C0"). This missense change has been observed in individual(s) with FLNC-related conditions (PMID: 30411535, 32528171). This variant is present in population databases (no rsID available, gnomAD 0.006%). This sequence change replaces histidine, which is basic and polar, with proline, which is neutral and non-polar, at codon 1936 of the FLNC protein (p.His1936Pro).

Literature cited by the submitters: PubMed 30411535; PubMed 32528171.